The following is an entry in ClinVar:

ClinVar aggregate classification (germline): Uncertain significance (1 of 4 stars; one submission).

Submission:

Labcorp Genetics (formerly Invitae), Labcorp
Classification: Uncertain significance. Last evaluated: 2025-03-31. Review status: criteria provided, single submitter. Criteria: Invitae Variant Classification Sherloc (09022015). Collection method: clinical testing. Allele origin: germline.
Comment: This sequence change replaces alanine, which is neutral and non-polar, with valine, which is neutral and non-polar, at codon 226 of the CLIC5 protein (p.Ala226Val). This variant is not present in population databases (gnomAD no frequency). This variant has not been reported in the literature in individuals affected with CLIC5-related conditions. An algorithm developed to predict the effect of missense changes on protein structure and function (PolyPhen-2) suggests that this variant is likely to be disruptive. In summary, the available evidence is currently insufficient to determine the role of this variant in disease. Therefore, it has been classified as a Variant of Uncertain Significance.

NM_016929.5(CLIC5):c.200C>T (p.Ala67Val)

Gene: CLIC5 (chloride intracellular channel 5; minus strand). Cytogenetic location: 6p21.1.
Variant type: single nucleotide variant.
Coding change: c.200C>T on transcript NM_016929.5 (MANE Select); coding-DNA position 200, C replaced by T.
Protein change: p.Ala67Val; replaces alanine 67 with valine.
Molecular consequence: missense variant.
Genome position (GRCh38, 1-based): chr6:45,949,355, G>A on the plus strand (C>T on the coding strand, the complement: CLIC5 is on the minus strand). VCF-style: chr6-45949355-G-A. GRCh37 (hg19) VCF-style: chr6-45917092-G-A.
Other names: c.677C>T, p.Ala226Val (NM_001370650.1, NM_001114086.2); c.200C>T, p.Ala67Val (NM_001256023.2); c.83C>T, p.Ala28Val (NM_001370649.1); short protein forms A226V, A67V, A28V.
Identifiers: ClinVar variation 3648091 (VCV003648091.2).